The following is an entry in ClinVar:

NM_002427.4(MMP13):c.487A>T (p.Ile163Phe)

Gene: MMP13 (matrix metallopeptidase 13; minus strand). Cytogenetic location: 11q22.2.
Variant type: single nucleotide variant.
Coding change: c.487A>T on transcript NM_002427.4 (MANE Select); coding-DNA position 487, A replaced by T.
Protein change: p.Ile163Phe; replaces isoleucine 163 with phenylalanine.
Molecular consequence: missense variant.
Genome position (GRCh38, 1-based): chr11:102,954,482, T>A on the plus strand (A>T on the coding strand, the complement: MMP13 is on the minus strand). VCF-style: chr11-102954482-T-A. GRCh37 (hg19) VCF-style: chr11-102825211-T-A.
Other names: short protein forms I163F.
Identifiers: ClinVar variation 3700763 (VCV003700763.2).
Genomic context (GRCh38, chr11:102,954,482, plus strand): 5'-TATAAAAATGTTTGTAAAATAAATGTGCATCATTACCCTTAATTCCAAAAGAGATCATGA[T>A]GTCAGCAATGCCATCGTGAAGTCTGGTAAAATTCAGAGGAGTTACATCGGACCAAACTTT-3'
Protein context (NP_002418.1, residues 153-173): FTRLHDGIAD[Ile163Phe]MISFGIKEHG

ClinVar aggregate classification (germline): Uncertain significance (1 of 4 stars; one submission).

Submission:

Labcorp Genetics (formerly Invitae), Labcorp
Classification: Uncertain significance. Last evaluated: 2024-06-22. Review status: criteria provided, single submitter. Criteria: Invitae Variant Classification Sherloc (09022015). Collection method: clinical testing. Allele origin: germline.
Comment: This sequence change replaces isoleucine, which is neutral and non-polar, with phenylalanine, which is neutral and non-polar, at codon 163 of the MMP13 protein (p.Ile163Phe). This variant is not present in population databases (gnomAD no frequency). This variant has not been reported in the literature in individuals affected with MMP13-related conditions. Advanced modeling of protein sequence and biophysical properties (such as structural, functional, and spatial information, amino acid conservation, physicochemical variation, residue mobility, and thermodynamic stability) performed at Invitae indicates that this missense variant is expected to disrupt MMP13 protein function with a positive predictive value of 80%. In summary, the available evidence is currently insufficient to determine the role of this variant in disease. Therefore, it has been classified as a Variant of Uncertain Significance.